The following is an entry in ClinVar:

ClinVar aggregate classification (germline): Uncertain significance (1 of 4 stars; one submission).

Submission:

Labcorp Genetics (formerly Invitae), Labcorp
Classification: Uncertain significance. Last evaluated: 2022-08-19. Review status: criteria provided, single submitter. Criteria: Invitae Variant Classification Sherloc (09022015). Collection method: clinical testing. Allele origin: germline.
Comment: This variant has not been reported in the literature in individuals affected with SLC24A1-related conditions. This sequence change replaces glycine, which is neutral and non-polar, with aspartic acid, which is acidic and polar, at codon 742 of the SLC24A1 protein (p.Gly742Asp). This variant is not present in population databases (gnomAD no frequency). Algorithms developed to predict the effect of missense changes on protein structure and function output the following: SIFT: "Deleterious"; PolyPhen-2: "Benign"; Align-GVGD: "Class C0". The aspartic acid amino acid residue is found in multiple mammalian species, which suggests that this missense change does not adversely affect protein function. In summary, the available evidence is currently insufficient to determine the role of this variant in disease. Therefore, it has been classified as a Variant of Uncertain Significance.

NM_004727.3(SLC24A1):c.2225G>A (p.Gly742Asp)

Gene: SLC24A1 (solute carrier family 24 member 1; plus strand). Cytogenetic location: 15q22.31.
Variant type: single nucleotide variant.
Coding change: c.2225G>A on transcript NM_004727.3 (MANE Select); coding-DNA position 2225, G replaced by A.
Protein change: p.Gly742Asp; replaces glycine 742 with aspartic acid.
Molecular consequence: missense variant.
Genome position (GRCh38, 1-based): chr15:65,645,696, G>A. VCF-style: chr15-65645696-G-A. GRCh37 (hg19) VCF-style: chr15-65938034-G-A.
Other names: c.206G>A, p.Gly69Asp (NM_001254740.2); c.2225G>A, p.Gly742Asp (NM_001301031.1); c.2171G>A, p.Gly724Asp (NM_001301032.1, NM_001301033.2); short protein forms G69D, G724D, G742D.
Identifiers: ClinVar variation 1717003 (VCV001717003.5), dbSNP rs1211865077, ClinGen allele CA392897935.
Genomic context (GRCh38, chr15:65,645,696, plus strand): 5'-CGGTCACGGTCACACCAGCCCCTGTTCCAGACATCAAGGGAGATCAGAAGGAGAATCCAG[G>A]CGGTCAGGTAGGCACCCAGCCTTGGCACAGACAAAATTGGAGAGGTCTAGGGAAGGAACT-3'
Protein context (NP_004718.1, residues 732-752): DIKGDQKENP[Gly742Asp]GQEDVAEAES